The following is an entry in ClinVar:

NM_014336.5(AIPL1):c.1099C>T (p.Pro367Ser)

Gene: AIPL1 (AIP like 1 HSP90 co-chaperone; minus strand). Cytogenetic location: 17p13.2.
Variant type: single nucleotide variant.
Coding change: c.1099C>T on transcript NM_014336.5 (MANE Select); coding-DNA position 1099, C replaced by T.
Protein change: p.Pro367Ser; replaces proline 367 with serine.
Molecular consequence: missense variant. On other transcripts: 3 prime UTR variant (1).
Genome position (GRCh38, 1-based): chr17:6,425,516, G>A on the plus strand (C>T on the coding strand, the complement: AIPL1 is on the minus strand). VCF-style: chr17-6425516-G-A. GRCh37 (hg19) VCF-style: chr17-6328836-G-A.
Other names: c.910C>T, p.Pro304Ser (NM_001033054.3); c.919C>T, p.Pro307Ser (NM_001033055.3); c.1063C>T, p.Pro355Ser (NM_001285399.3); c.1033C>T, p.Pro345Ser (NM_001285400.3); c.1027C>T, p.Pro343Ser (NM_001285401.3); c.982C>T, p.Pro328Ser (NM_001285402.2); c.*1070C>T (NM_001285403.4); short protein forms P307S, P345S, P304S, P343S, P355S, P328S, P367S.
Identifiers: ClinVar variation 1478842 (VCV001478842.6), dbSNP rs1423538169, ClinGen allele CA397394266.

ClinVar aggregate classification (germline): Uncertain significance (1 of 4 stars; one submission).

Conditions:
Leber congenital amaurosis 4 (LCA4). Identifiers: MedGen C1858386, MONDO:0011458, OMIM 604393.

Allele frequency attached by ClinVar (database versions not stated): gnomAD exomes below 0.00001.

Submission:

Labcorp Genetics (formerly Invitae), Labcorp
Classification: Uncertain significance for Leber congenital amaurosis 4. Last evaluated: 2023-11-27. Review status: criteria provided, single submitter. Criteria: Invitae Variant Classification Sherloc (09022015). Collection method: clinical testing. Allele origin: germline.
Comment: This sequence change replaces proline, which is neutral and non-polar, with serine, which is neutral and polar, at codon 367 of the AIPL1 protein (p.Pro367Ser). This variant is present in population databases (no rsID available, gnomAD 0.006%). This variant has not been reported in the literature in individuals affected with AIPL1-related conditions. ClinVar contains an entry for this variant (Variation ID: 1478842). Experimental studies and prediction algorithms are not available or were not evaluated, and the functional significance of this variant is currently unknown. In summary, the available evidence is currently insufficient to determine the role of this variant in disease. Therefore, it has been classified as a Variant of Uncertain Significance.